The following is an entry in ClinVar:

NM_014263.4(YME1L1):c.89C>G (p.Ser30Cys)

Gene: YME1L1 (YME1 like 1 ATPase; minus strand). Cytogenetic location: 10p12.1.
Variant type: single nucleotide variant.
Coding change: c.89C>G on transcript NM_014263.4 (MANE Select); coding-DNA position 89, C replaced by G.
Protein change: p.Ser30Cys; replaces serine 30 with cysteine.
Molecular consequence: missense variant.
Genome position (GRCh38, 1-based): chr10:27,148,985, G>C on the plus strand (C>G on the coding strand, the complement: YME1L1 is on the minus strand). VCF-style: chr10-27148985-G-C. GRCh37 (hg19) VCF-style: chr10-27437914-G-C.
Other names: c.89C>G, p.Ser30Cys (NM_001253866.2, NM_139312.3); c.89C>G (NM_139312.1); short protein forms S30C.
Identifiers: ClinVar variation 2910813 (VCV002910813.4), dbSNP rs773245726, ClinGen allele CA5449762.
Genomic context (GRCh38, chr10:27,148,985, plus strand): 5'-TGCTCAGGAACTACATCTCGATGCTGGTTTTGAGAAACTGACACTCCACTGAGAGAAACA[G>C]AAGTGTTTTTTGGTGTATGGAAGGCATTGATGAGATGACTCAGAGGAACTGTAACCTAGA-3'
Protein context (NP_055078.1, residues 20-40): INAFHTPKNT[Ser30Cys]VSLSGVSVSQ

ClinVar aggregate classification (germline): Uncertain significance. Review status: criteria provided, multiple submitters, no conflicts (2 of 4 stars). 2 submissions from 2 submitters: Uncertain significance (2). Last evaluated 2025-10-02.

Allele frequency attached by ClinVar (database versions not stated): gnomAD 0.00005; TOPMed 0.00005.
gnomAD v4.1: 61 of 1,613,884 alleles (0.0038%); highest among the groups gnomAD compares: Middle Eastern, 0.082%; no homozygotes.

Submissions (2):

Ambry Genetics
Classification: Uncertain significance. Last evaluated: 2025-10-02. Review status: criteria provided, single submitter. Criteria: Ambry Variant Classification Scheme 2023. Collection method: clinical testing. Allele origin: germline.

Labcorp Genetics (formerly Invitae), Labcorp
Classification: Uncertain significance. Last evaluated: 2024-07-10. Review status: criteria provided, single submitter. Criteria: Invitae Variant Classification Sherloc (09022015). Collection method: clinical testing. Allele origin: germline.
Comment: This sequence change replaces serine, which is neutral and polar, with cysteine, which is neutral and slightly polar, at codon 30 of the YME1L1 protein (p.Ser30Cys). This variant is present in population databases (rs773245726, gnomAD 0.008%). This variant has not been reported in the literature in individuals affected with YME1L1-related conditions. An algorithm developed to predict the effect of missense changes on protein structure and function (PolyPhen-2) suggests that this variant is likely to be tolerated. In summary, the available evidence is currently insufficient to determine the role of this variant in disease. Therefore, it has been classified as a Variant of Uncertain Significance.